The following is an entry in ClinVar:

NM_002381.5(MATN3):c.54G>A (p.Trp18Ter)

Gene: MATN3 (matrilin 3; minus strand). Cytogenetic location: 2p24.1.
Variant type: single nucleotide variant.
Coding change: c.54G>A on transcript NM_002381.5 (MANE Select); coding-DNA position 54, G replaced by A.
Protein change: p.Trp18Ter; replaces tryptophan 18 with a stop codon.
Molecular consequence: nonsense.
Genome position (GRCh38, 1-based): chr2:20,012,578, C>T on the plus strand (G>A on the coding strand, the complement: MATN3 is on the minus strand). VCF-style: chr2-20012578-C-T. GRCh37 (hg19) VCF-style: chr2-20212339-C-T.
Other names: short protein forms W18*.
Identifiers: ClinVar variation 3611496 (VCV003611496.2).

ClinVar aggregate classification (germline): Uncertain significance (1 of 4 stars; one submission).

gnomAD v4.1: 24 of 1,226,712 alleles (0.002%); highest among the groups gnomAD compares: Non-Finnish European, 0.0021%; no homozygotes.

Submission:

Labcorp Genetics (formerly Invitae), Labcorp
Classification: Uncertain significance. Last evaluated: 2024-03-03. Review status: criteria provided, single submitter. Criteria: Invitae Variant Classification Sherloc (09022015). Collection method: clinical testing. Allele origin: germline.
Comment: This sequence change creates a premature translational stop signal (p.Trp18*) in the MATN3 gene. It is expected to result in an absent or disrupted protein product. However, the current clinical and genetic evidence is not sufficient to establish whether loss-of-function variants in MATN3 cause disease. This variant is not present in population databases (gnomAD no frequency). This variant has not been reported in the literature in individuals affected with MATN3-related conditions. In summary, the available evidence is currently insufficient to determine the role of this variant in disease. Therefore, it has been classified as a Variant of Uncertain Significance.